The following is an entry in ClinVar:

ClinVar aggregate classification (germline): Likely benign (1 of 4 stars; one submission).

gnomAD v4.1: 31 of 1,597,522 alleles (0.0019%); highest among the groups gnomAD compares: South Asian, 0.022%; no homozygotes.

Submission:

CeGaT Center for Human Genetics Tuebingen
Classification: Likely benign. Last evaluated: 2026-06-01. Review status: criteria provided, single submitter. Criteria: CeGaT Center For Human Genetics Tuebingen Variant Classification Criteria Version 2. Collection method: clinical testing. Allele origin: germline. Affected: yes. Observed: 1 variant allele.
Comment: PLEC: BP4, BP7

NM_201384.3(PLEC):c.7800C>T (p.Leu2600=)

Gene: PLEC (plectin; minus strand). Cytogenetic location: 8q24.3.
Variant type: single nucleotide variant.
Coding change: c.7800C>T on transcript NM_201384.3 (MANE Select); coding-DNA position 7800, C replaced by T.
Protein change: p.Leu2600=; no amino-acid change (leucine 2600 retained).
Molecular consequence: synonymous variant.
Genome position (GRCh38, 1-based): chr8:143,922,021, G>A on the plus strand (C>T on the coding strand, the complement: PLEC is on the minus strand). VCF-style: chr8-143922021-G-A. GRCh37 (hg19) VCF-style: chr8-144996189-G-A.
Other names: c.7881C>T, p.Leu2627= (NM_000445.5); c.4500C>T, p.Leu1500= (NM_001410941.1); c.7758C>T, p.Leu2586= (NM_201378.4); c.7734C>T, p.Leu2578= (NM_201379.3); c.8211C>T, p.Leu2737= (NM_201380.4); c.7704C>T, p.Leu2568= (NM_201381.3); c.7800C>T, p.Leu2600= (NM_201382.4); c.7812C>T, p.Leu2604= (NM_201383.3).
Identifiers: ClinVar variation 4872537 (VCV004872537.2).